The following is an entry in ClinVar:

NM_206933.4(USH2A):c.298del (p.Leu100fs)

Gene: USH2A (usherin; minus strand). Cytogenetic location: 1q41.
Variant type: Deletion.
Coding change: c.298del on transcript NM_206933.4 (MANE Select); coding-DNA position 298, one base deleted (C; older notation c.298delC).
Protein change: p.Leu100fs; shifts the reading frame from leucine 100.
Molecular consequence: frameshift variant.
Genome position (GRCh38, 1-based): chr1:216,422,039, G deleted on the plus strand (C on the coding strand, the reverse complement: USH2A is on the minus strand); the first of 3 consecutive G bases (chr1:216,422,039-216,422,041); deleting any one gives the same sequence. VCF-style (leftmost placement, unchanged base first): chr1-216422038-AG-A. GRCh37 (hg19) VCF-style: chr1-216595380-AG-A.
Other names: c.298delC (NM_206933.2); c.298del, p.Leu100fs (NM_007123.6); short protein forms L100fs.
Identifiers: ClinVar variation 3579681 (VCV003579681.2).
Genomic context (GRCh38, chr1:216,422,038, plus strand): 5'-GCGTTAGGATGCAGATCATTCTTGTCTGGTGTGATGCAGCTACTGAGGCCTGCTGAGAAA[AG>A]GGCAGTGTAGGTAGGGTGTGAAGATCTGTATGGGCAATCCTGAATACAAAACCGCTGGGT-3'

ClinVar aggregate classification (germline): Likely pathogenic. Review status: criteria provided, multiple submitters, no conflicts (2 of 4 stars). 2 submissions from 2 submitters: Likely pathogenic (2). Last evaluated 2025-02-01.

Conditions:
Retinitis pigmentosa 39 (RP39). Identifiers: Orphanet 791, MedGen C3151138, MONDO:0013436, OMIM 613809.
Usher syndrome type 2A. Also called: RETINAL DISEASE IN USHER SYNDROME TYPE IIA, MODIFIER OF; USHER SYNDROME, TYPE IIA. Identifiers: Orphanet 231178, Orphanet 886, MedGen C1848634, MONDO:0010169, OMIM 276901.
USH2A-related disorder. Also called: USH2A-related disorders; USH2A-related condition. Identifiers: MedGen CN239332.

Submissions (2):

PreventionGenetics, part of Exact Sciences
Classification: Likely pathogenic for USH2A-related condition. Last evaluated: 2025-02-01. Review status: criteria provided, single submitter. Criteria: ACMG Guidelines, 2015. Collection method: clinical testing. Allele origin: germline.
Comment: The USH2A c.298delC variant is predicted to result in a frameshift and premature protein termination (p.Leu100Phefs*45). To our knowledge, this variant has not been reported in the literature or in a large population database (gnomAD), indicating this variant is rare. Frameshift variants in USH2A are expected to be pathogenic. This variant is interpreted as likely pathogenic.

Fulgent Genetics
Classification: Likely pathogenic for Usher syndrome type 2A; Retinitis pigmentosa 39. Last evaluated: 2024-04-27. Review status: criteria provided, single submitter. Criteria: ACMG Guidelines, 2015. Collection method: clinical testing. Allele origin: germline.